The following is an entry in ClinVar:

ClinVar aggregate classification (germline): Uncertain significance (1 of 4 stars; one submission).

Submission:

Ambry Genetics
Classification: Uncertain significance. Last evaluated: 2026-08-23. Review status: criteria provided, single submitter. Criteria: Ambry Variant Classification Scheme 2023. Collection method: clinical testing. Allele origin: germline.
Comment: The p.N870T variant (also known as c.2609A>C), located in coding exon 1 of the TET2 gene, results from an A to C substitution at nucleotide position 2609. The asparagine at codon 870 is replaced by threonine, an amino acid with similar properties. This amino acid position is conserved. In addition, this alteration is predicted to be tolerated by in silico analysis. Based on the available evidence, the clinical significance of this variant remains unclear.

NM_001127208.3(TET2):c.2609A>C (p.Asn870Thr)

Genes: TET2 (tet methylcytosine dioxygenase 2; plus strand), TET2-AS1 (TET2 antisense RNA 1; minus strand). Cytogenetic location: 4q24.
Variant type: single nucleotide variant.
Coding change: c.2609A>C on transcript NM_001127208.3 (MANE Select); coding-DNA position 2609, A replaced by C.
Protein change: p.Asn870Thr; replaces asparagine 870 with threonine.
Molecular consequence: missense variant.
Genome position (GRCh38, 1-based): chr4:105,236,551, A>C. VCF-style: chr4-105236551-A-C. GRCh37 (hg19) VCF-style: chr4-106157708-A-C.
Other names: c.2609A>C, p.Asn870Thr (NM_017628.4); short protein forms N870T.
Identifiers: ClinVar variation 5030766 (VCV005030766.1).